The following is an entry in ClinVar:

ClinVar aggregate classification (germline): Uncertain significance. Review status: criteria provided, multiple submitters, no conflicts (2 of 4 stars). 2 submissions from 2 submitters: Uncertain significance (2). Last evaluated 2024-05-20.

Conditions:
Inborn genetic diseases. Identifiers: MedGen C0950123, MeSH D030342.
Developmental and epileptic encephalopathy, 11 (DEE11). Also called: Early infantile epileptic encephalopathy 11. Identifiers: Orphanet 1934, MedGen C3150987, MONDO:0013388, OMIM 613721.
Seizures, benign familial infantile, 3 (BFIS3). Also called: CONVULSIONS, BENIGN FAMILIAL INFANTILE, 3; Familial neonatal seizures. Identifiers: Orphanet 140927, Orphanet 306, MedGen C1843140, MONDO:0011904, OMIM 607745.

Allele frequency attached by ClinVar (database versions not stated): gnomAD exomes below 0.00001; gnomAD 0.00001; TOPMed 0.00001.
gnomAD v4.1: 6 of 1,605,992 alleles (0.00037%); highest among the groups gnomAD compares: Non-Finnish European, 0.00051%; no homozygotes.

Submissions (2):

Ambry Genetics
Classification: Uncertain significance for Inborn genetic diseases. Last evaluated: 2024-05-20. Review status: criteria provided, single submitter. Criteria: Ambry Variant Classification Scheme 2023. Collection method: clinical testing. Allele origin: germline.

Labcorp Genetics (formerly Invitae), Labcorp
Classification: Uncertain significance for Seizures, benign familial infantile, 3; Developmental and epileptic encephalopathy, 11. Last evaluated: 2021-08-23. Review status: criteria provided, single submitter. Criteria: Invitae Variant Classification Sherloc (09022015). Collection method: clinical testing. Allele origin: germline.
Comment: In summary, the available evidence is currently insufficient to determine the role of this variant in disease. Therefore, it has been classified as a Variant of Uncertain Significance. Algorithms developed to predict the effect of missense changes on protein structure and function (SIFT, PolyPhen-2, Align-GVGD) all suggest that this variant is likely to be disruptive, but these predictions have not been confirmed by published functional studies and their clinical significance is uncertain. This variant has not been reported in the literature in individuals with SCN2A-related conditions. This variant is not present in population databases (ExAC no frequency). This sequence change replaces serine with cysteine at codon 2003 of the SCN2A protein (p.Ser2003Cys). The serine residue is highly conserved and there is a moderate physicochemical difference between serine and cysteine.

NM_001040142.2(SCN2A):c.6007A>T (p.Ser2003Cys)

Gene: SCN2A (sodium voltage-gated channel alpha subunit 2; plus strand). Cytogenetic location: 2q24.3.
Variant type: single nucleotide variant.
Coding change: c.6007A>T on transcript NM_001040142.2 (MANE Select); coding-DNA position 6007, A replaced by T.
Protein change: p.Ser2003Cys; replaces serine 2003 with cysteine.
Molecular consequence: missense variant.
Genome position (GRCh38, 1-based): chr2:165,389,813, A>T. VCF-style: chr2-165389813-A-T. GRCh37 (hg19) VCF-style: chr2-166246323-A-T.
Other names: c.6007A>T (NM_021007.2); c.6007A>T, p.Ser2003Cys (NM_001040143.2, NM_001371246.1, NM_001371247.1 and 1 more transcripts); short protein forms S2003C.
Identifiers: ClinVar variation 1435130 (VCV001435130.9), dbSNP rs1389700505, ClinGen allele CA349042030.